The following is an entry in ClinVar:

ClinVar aggregate classification (germline): Uncertain significance (1 of 4 stars; one submission).

Submission:

Ambry Genetics
Classification: Uncertain significance. Last evaluated: 2026-04-02. Review status: criteria provided, single submitter. Criteria: Ambry Variant Classification Scheme 2023. Collection method: clinical testing. Allele origin: germline.
Comment: The p.C1204Y variant (also known as c.3611G>A), located in coding exon 15 of the WNK2 gene, results from a G to A substitution at nucleotide position 3611. The cysteine at codon 1204 is replaced by tyrosine, an amino acid with highly dissimilar properties. This amino acid position is conserved. In addition, this alteration is predicted to be deleterious by in silico analysis. Based on the available evidence, the clinical significance of this variant remains unclear.

NM_006648.4(WNK2):c.3611G>A (p.Cys1204Tyr)

Gene: WNK2 (WNK lysine deficient protein kinase 2; plus strand). Cytogenetic location: 9q22.31.
Variant type: single nucleotide variant.
Coding change: c.3611G>A on transcript NM_006648.4 (MANE Select); coding-DNA position 3611, G replaced by A.
Protein change: p.Cys1204Tyr; replaces cysteine 1204 with tyrosine.
Molecular consequence: missense variant.
Genome position (GRCh38, 1-based): chr9:93,263,948, G>A. VCF-style: chr9-93263948-G-A. GRCh37 (hg19) VCF-style: chr9-96026230-G-A.
Other names: c.3611G>A, p.Cys1204Tyr (NM_001282394.3); short protein forms C1204Y.
Identifiers: ClinVar variation 4866560 (VCV004866560.1).